The following is an entry in ClinVar:

NM_004187.5(KDM5C):c.4472A>G (p.Glu1491Gly)

Gene: KDM5C (lysine demethylase 5C; minus strand). Cytogenetic location: Xp11.22.
Variant type: single nucleotide variant.
Coding change: c.4472A>G on transcript NM_004187.5 (MANE Select); coding-DNA position 4472, A replaced by G.
Protein change: p.Glu1491Gly; replaces glutamic acid 1491 with glycine.
Molecular consequence: missense variant. On other transcripts: intron variant (5).
Genome position (GRCh38, 1-based): chrX:53,193,178, T>C on the plus strand (A>G on the coding strand, the complement: KDM5C is on the minus strand). VCF-style: chrX-53193178-T-C. GRCh37 (hg19) VCF-style: chrX-53222360-T-C.
Other names: c.4469A>G, p.Glu1490Gly (NM_001282622.3); c.4463A>G, p.Glu1488Gly (NM_001353978.3); c.4305+259A>G (NM_001353982.2); c.4314+259A>G (NM_001353979.2); c.4308+259A>G (NM_001353981.2, NM_001353984.2); c.4046+320A>G (NM_001146702.2); short protein forms E1488G, E1490G, E1491G.
Identifiers: ClinVar variation 3252314 (VCV003252314.1), dbSNP rs2519362780.

ClinVar aggregate classification (germline): Uncertain significance (1 of 4 stars; one submission).

Allele frequency attached by ClinVar (database versions not stated): gnomAD exomes below 0.00001.
gnomAD v4.1: 2 of 1,210,528 alleles (0.00017%); highest among the groups gnomAD compares: Non-Finnish European, 0.00022%; no homozygotes.

Submission:

GeneDx
Classification: Uncertain significance. Last evaluated: 2023-10-09. Review status: criteria provided, single submitter. Criteria: GeneDx Variant Classification Process June 2021. Collection method: clinical testing. Allele origin: germline. Affected: yes.
Comment: Not observed at significant frequency in large population cohorts (gnomAD); In silico analysis supports that this missense variant does not alter protein structure/function; Has not been previously published as pathogenic or benign to our knowledge